The following is an entry in ClinVar:

ClinVar aggregate classification (germline): Uncertain significance (1 of 4 stars; one submission).

Submission:

Labcorp Genetics (formerly Invitae), Labcorp
Classification: Uncertain significance. Last evaluated: 2025-06-16. Review status: criteria provided, single submitter. Criteria: Invitae Variant Classification Sherloc (09022015). Collection method: clinical testing. Allele origin: germline.
Comment: This sequence change replaces leucine, which is neutral and non-polar, with serine, which is neutral and polar, at codon 1335 of the ATR protein (p.Leu1335Ser). This variant is not present in population databases (gnomAD no frequency). This variant has not been reported in the literature in individuals affected with ATR-related conditions. ClinVar contains an entry for this variant (Variation ID: 2753146). An algorithm developed to predict the effect of missense changes on protein structure and function (PolyPhen-2) suggests that this variant is likely to be disruptive. In summary, the available evidence is currently insufficient to determine the role of this variant in disease. Therefore, it has been classified as a Variant of Uncertain Significance.

NM_001184.4(ATR):c.4004T>C (p.Leu1335Ser)

Gene: ATR (ATR checkpoint kinase; minus strand). Cytogenetic location: 3q23.
Variant type: single nucleotide variant.
Coding change: c.4004T>C on transcript NM_001184.4 (MANE Select); coding-DNA position 4004, T replaced by C.
Protein change: p.Leu1335Ser; replaces leucine 1335 with serine.
Molecular consequence: missense variant.
Genome position (GRCh38, 1-based): chr3:142,524,141, A>G on the plus strand (T>C on the coding strand, the complement: ATR is on the minus strand). VCF-style: chr3-142524141-A-G. GRCh37 (hg19) VCF-style: chr3-142242983-A-G.
Other names: c.3812T>C, p.Leu1271Ser (NM_001354579.2); short protein forms L1271S, L1335S.
Identifiers: ClinVar variation 2753146 (VCV002753146.3), dbSNP rs2473266066, ClinGen allele CA354802694.